The following is an entry in ClinVar:

NM_153717.3(EVC):c.1886+5G>A

Gene: EVC (EvC ciliary complex subunit 1; plus strand). Cytogenetic location: 4p16.2.
Variant type: single nucleotide variant.
Coding change: c.1886+5G>A on transcript NM_153717.3 (MANE Select); 5 bases into the intron after coding-DNA position 1886, G replaced by A.
Molecular consequence: intron variant.
Genome position (GRCh38, 1-based): chr4:5,793,722, G>A. VCF-style: chr4-5793722-G-A. GRCh37 (hg19) VCF-style: chr4-5795449-G-A.
Other names: c.1886+5G>A (NM_001306090.2).
Identifiers: ClinVar variation 1458810 (VCV001458810.7), dbSNP rs794726665, ClinGen allele CA549403915.
Genomic context (GRCh38, chr4:5,793,722, plus strand): 5'-GACCACGAGGGCACCATCCGCGGCGTCTTGGGCCGACTGGGCGGCCTCACTGAAGAGTGA[G>A]TACAGCTCCCTGAAGGCCCAGGGCTTTGTGTCCTGCATGATGCTCCCTCCAGCCTCAGTG-3'

ClinVar aggregate classification (germline): Pathogenic. Review status: criteria provided, multiple submitters, no conflicts (2 of 4 stars). 2 submissions from 2 submitters: Pathogenic (2). Last evaluated 2023-04-28.

Conditions:
Ellis-van Creveld syndrome (EVC). Also called: EVC-Related Ellis-van Creveld Syndrome; EVC2-Related Ellis-van Creveld Syndrome; MESOECTODERMAL DYSPLASIA; Chondroectodermal dysplasia. Identifiers: Orphanet 289, MedGen C0013903, MONDO:0009162, OMIM 225500.
Curry-Hall syndrome (WAD). Also called: WEYERS ACRODENTAL DYSOSTOSIS. Identifiers: Orphanet 952, MedGen C0457013, MONDO:0008673, OMIM 193530.

gnomAD v4.1: 5 of 1,547,298 alleles (0.00032%); highest among the groups gnomAD compares: South Asian, 0.0048%; no homozygotes.

Submissions (2):

GeneDx
Classification: Pathogenic. Last evaluated: 2023-04-28. Review status: criteria provided, single submitter. Criteria: GeneDx Variant Classification Process June 2021. Collection method: clinical testing. Allele origin: germline. Affected: yes.
Comment: Intronic +5 splice site variant in a gene for which loss of function is a known mechanism of disease, and splice predictors support a deleterious effect; This variant is associated with the following publications: (PMID: 29068549, 10700184, 17024374, 23220543, 23924873, 26582918)

Labcorp Genetics (formerly Invitae), Labcorp
Classification: Pathogenic for Curry-Hall syndrome; Ellis-van Creveld syndrome. Last evaluated: 2021-09-27. Review status: criteria provided, single submitter. Criteria: Invitae Variant Classification Sherloc (09022015). Collection method: clinical testing. Allele origin: germline.
Comment: This variant is also known as IVS13+5G>A. For these reasons, this variant has been classified as Pathogenic. This variant disrupts the c.1886+5 nucleotide in the EVC gene. Other variant(s) that disrupt this nucleotide have been determined to be pathogenic (PMID: 10700184, 17024374, 23220543, 31028937). This suggests that this nucleotide is clinically significant, and that variants that disrupt this position are likely to be disease-causing. Variants that disrupt the consensus splice site are a relatively common cause of aberrant splicing (PMID: 17576681, 9536098). Studies have shown that this variant is associated with altered splicing, but the impact on the resulting protein product is unknown (PMID: 23220543). This variant has been observed in individuals with Ellis-van Creveld syndrome (PMID: 23220543, 23924873). This variant is not present in population databases (ExAC no frequency). This sequence change falls in intron 13 of the EVC gene. It does not directly change the encoded amino acid sequence of the EVC protein. It affects a nucleotide within the consensus splice site of the intron.

Literature cited by the submitters: PubMed 10700184 (cited by Labcorp Genetics (formerly Invitae), Labcorp); PubMed 17024374 (cited by Labcorp Genetics (formerly Invitae), Labcorp); PubMed 23220543 (cited by Labcorp Genetics (formerly Invitae), Labcorp); PubMed 31028937 (cited by Labcorp Genetics (formerly Invitae), Labcorp); PubMed 17576681 (cited by Labcorp Genetics (formerly Invitae), Labcorp); PubMed 9536098 (cited by Labcorp Genetics (formerly Invitae), Labcorp); PubMed 23924873 (cited by Labcorp Genetics (formerly Invitae), Labcorp).